The following is an entry in ClinVar:

NM_001292063.2(OTOG):c.4306C>T (p.Pro1436Ser)

Gene: OTOG (otogelin; plus strand). Cytogenetic location: 11p15.1.
Variant type: single nucleotide variant.
Coding change: c.4306C>T on transcript NM_001292063.2 (MANE Select); coding-DNA position 4306, C replaced by T.
Protein change: p.Pro1436Ser; replaces proline 1436 with serine.
Molecular consequence: missense variant.
Genome position (GRCh38, 1-based): chr11:17,609,161, C>T. VCF-style: chr11-17609161-C-T. GRCh37 (hg19) VCF-style: chr11-17630708-C-T.
Other names: c.4342C>T, p.Pro1448Ser (NM_001277269.2); short protein forms P1448S, P1436S.
Identifiers: ClinVar variation 4980272 (VCV004980272.1).

ClinVar aggregate classification (germline): Uncertain significance (1 of 4 stars; one submission).

Conditions:
OTOG-related disorder. Also called: OTOG-related condition.

gnomAD v4.1: 6 of 1,550,448 alleles (0.00039%); highest among the groups gnomAD compares: African/African-American, 0.0027%; no homozygotes.

Submission:

PreventionGenetics, part of Exact Sciences
Classification: Uncertain significance for OTOG-related condition. Last evaluated: 2026-08-23. Review status: criteria provided, single submitter. Criteria: ACMG Guidelines, 2015. Collection method: clinical testing. Allele origin: germline.
Comment: The OTOG c.4342C>T variant is predicted to result in the amino acid substitution p.Pro1448Ser. To our knowledge, this variant has not been reported in the literature. This variant is reported in 0.0064% of alleles in individuals of African descent in gnomAD. At this time, the clinical significance of this variant is uncertain due to the absence of conclusive functional and genetic evidence.